The following is an entry in ClinVar:

NM_002303.6(LEPR):c.3227C>A (p.Ser1076Tyr)

Gene: LEPR (leptin receptor; plus strand). Cytogenetic location: 1p31.3.
Variant type: single nucleotide variant.
Coding change: c.3227C>A on transcript NM_002303.6 (MANE Select); coding-DNA position 3227, C replaced by A.
Protein change: p.Ser1076Tyr; replaces serine 1076 with tyrosine.
Molecular consequence: missense variant.
Genome position (GRCh38, 1-based): chr1:65,636,744, C>A. VCF-style: chr1-65636744-C-A. GRCh37 (hg19) VCF-style: chr1-66102427-C-A.
Other names: short protein forms S1076Y.
Identifiers: ClinVar variation 4986959 (VCV004986959.1).

ClinVar aggregate classification (germline): Uncertain significance (1 of 4 stars; one submission).

Conditions:
LEPR-related disorder. Also called: LEPR-related disorders; LEPR-related condition.

gnomAD v4.1: 1 of 1,612,218 alleles (0.000062%); highest among the groups gnomAD compares: Non-Finnish European, 0.000085%; no homozygotes.

Submission:

PreventionGenetics, part of Exact Sciences
Classification: Uncertain significance for LEPR-related condition. Last evaluated: 2026-03-14. Review status: criteria provided, single submitter. Criteria: ACMG Guidelines, 2015. Collection method: clinical testing. Allele origin: germline.
Comment: The LEPR c.3227C>A variant is predicted to result in the amino acid substitution p.Ser1076Tyr. In vitro functional studies of this variant showed function similar to wild-type levels (Supplemental Data Set, Shah et al. 2023. PubMed ID: 36864747). To our knowledge, this variant has not been reported in a large population database (gnomAD), indicating this variant is rare. At this time, the clinical significance of this variant is uncertain due to the absence of conclusive functional and genetic evidence.